The following is an entry in ClinVar:

NM_138413.4(HOGA1):c.209G>C (p.Arg70Pro)

Gene: HOGA1 (4-hydroxy-2-oxoglutarate aldolase 1; plus strand). Cytogenetic location: 10q24.2.
Variant type: single nucleotide variant.
Coding change: c.209G>C on transcript NM_138413.4 (MANE Select); coding-DNA position 209, G replaced by C.
Protein change: p.Arg70Pro; replaces arginine 70 with proline.
Molecular consequence: missense variant.
Genome position (GRCh38, 1-based): chr10:97,584,912, G>C. VCF-style: chr10-97584912-G-C. GRCh37 (hg19) VCF-style: chr10-99344669-G-C.
Other names: c.209G>C, p.Arg70Pro (NM_001134670.2); short protein forms R70P.
Identifiers: ClinVar variation 33 (VCV000000033.9), dbSNP rs267606763, ClinGen allele CA113816.

ClinVar aggregate classification (germline): Pathogenic/Likely pathogenic. Review status: criteria provided, multiple submitters, no conflicts (2 of 4 stars). 4 submissions from 4 submitters: Pathogenic (1); Likely pathogenic (1). 2 of the submissions do not count toward it. Last evaluated 2024-05-21.

Conditions:
Primary hyperoxaluria type 3. Also called: PH III. Identifiers: Orphanet 416, Orphanet 93600, MedGen C3150878, MONDO:0013327, OMIM 613616. Disease mechanism: loss of function.

Allele frequency attached by ClinVar (database versions not stated): gnomAD 0.00001; ExAC 0.00001.
gnomAD v4.1: 5 of 1,613,702 alleles (0.00031%); highest among the groups gnomAD compares: Non-Finnish European, 0.00034%; no homozygotes.

Submissions (4):

Natera, Inc.
Classification: Likely pathogenic for Primary hyperoxaluria type III. Last evaluated: 2024-05-21. Review status: criteria provided, single submitter. Criteria: Natera Variant Classification Schema (03/2026). Collection method: clinical testing. Allele origin: germline.
Comment: The c.209G>C variant in HOGA1 is a missense variant predicted to cause substitution of arginine to proline at amino acid 70. This variant is rare in the general population with a frequency below the threshold expected for the associated phenotype(s). This variant has been observed in one or more individuals affected with the associated recessive disease, as either homozygous or compound heterozygous with a second variant (PMID: 22781098, 20797690). Computational prediction algorithms indicate this variant is likely to affect gene or protein function. Given the available evidence, this variant is classified as Likely Pathogenic.

Labcorp Genetics (formerly Invitae), Labcorp
Classification: Pathogenic. Last evaluated: 2024-02-05. Review status: criteria provided, single submitter. Criteria: Invitae Variant Classification Sherloc (09022015). Collection method: clinical testing. Allele origin: germline.
Comment: This sequence change replaces arginine, which is basic and polar, with proline, which is neutral and non-polar, at codon 70 of the HOGA1 protein (p.Arg70Pro). This variant is present in population databases (rs267606763, gnomAD 0.0009%). This missense change has been observed in individual(s) with primary hyperoxaluria type 3 (PMID: 20797690, 22781098, 28711958). In at least one individual the data is consistent with being in trans (on the opposite chromosome) from a pathogenic variant. ClinVar contains an entry for this variant (Variation ID: 33). An algorithm developed to predict the effect of missense changes on protein structure and function (PolyPhen-2) suggests that this variant is likely to be disruptive. Experimental studies have shown that this missense change affects HOGA1 function (PMID: 22771891). For these reasons, this variant has been classified as Pathogenic.

Clinical Biochemistry Laboratory, Health Services Laboratory
Classification: Pathogenic for Primary hyperoxaluria, type III. Last evaluated: 2014-11-27. Review status: no assertion criteria provided. Collection method: in vitro. Allele origin: germline. Affected: yes. Not counted in ClinVar's aggregate classification.

OMIM
Classification: Pathogenic for HYPEROXALURIA, PRIMARY, TYPE III. Last evaluated: 2010-09-10. Review status: no assertion criteria provided. Collection method: literature only. Allele origin: germline. Not counted in ClinVar's aggregate classification.

Literature cited by the submitters: PubMed 22781098 (cited by Natera, Inc. and Labcorp Genetics (formerly Invitae), Labcorp); PubMed 20797690 (cited by 4 submitters); PubMed 28711958 (cited by Labcorp Genetics (formerly Invitae), Labcorp); PubMed 22771891 (cited by Labcorp Genetics (formerly Invitae), Labcorp).